The following is an entry in ClinVar:

ClinVar aggregate classification (germline): Likely benign (1 of 4 stars; one submission).

Submission:

CeGaT Center for Human Genetics Tuebingen
Classification: Likely benign. Last evaluated: 2022-06-01. Review status: criteria provided, single submitter. Criteria: CeGaT Center For Human Genetics Tuebingen Variant Classification Criteria Version 2. Collection method: clinical testing. Allele origin: germline. Affected: yes. Observed: 1 variant allele.
Comment: TRIO: BP3

NM_007118.4(TRIO):c.6877GGC[3] (p.Gly2296_Gly2298del)

Gene: TRIO (trio Rho guanine nucleotide exchange factor; plus strand). Cytogenetic location: 5p15.2.
Variant type: Microsatellite.
Coding change: c.6877GGC[3] on transcript NM_007118.4 (MANE Select); three copies in a row of the 3-base unit GGC starting at c.6877; the reference has six copies in a row; three copies, 9 bases deleted.
Protein change: p.Gly2296_Gly2298del.
Molecular consequence: inframe deletion. On other transcripts: non-coding transcript variant (1).
Genome position (GRCh38, 1-based): chr5:14,487,514-14,487,522, GGCGGCGGC deleted; deleting any 9 consecutive bases within chr5:14,487,505-14,487,522 gives the same sequence; the position shown is the placement nearest the transcript's 3' end. VCF-style (leftmost placement, unchanged base first): chr5-14487504-GGGCGGCGGC-G. GRCh37 (hg19) VCF-style: chr5-14487613-GGGCGGCGGC-G.
Identifiers: ClinVar variation 2655338 (VCV002655338.24), dbSNP rs749785358, ClinGen allele CA3207274.